The following is an entry in ClinVar:

NM_006767.4(LZTR1):c.2003A>G (p.Asp668Gly)

Gene: LZTR1 (leucine zipper like post translational regulator 1; plus strand). Cytogenetic location: 22q11.21.
Variant type: single nucleotide variant.
Coding change: c.2003A>G on transcript NM_006767.4 (MANE Select); coding-DNA position 2003, A replaced by G.
Protein change: p.Asp668Gly; replaces aspartic acid 668 with glycine.
Molecular consequence: missense variant.
Genome position (GRCh38, 1-based): chr22:20,995,806, A>G. VCF-style: chr22-20995806-A-G. GRCh37 (hg19) VCF-style: chr22-21350095-A-G.
Other names: c.2003A>G (NM_006767.3); short protein forms D668G.
Identifiers: ClinVar variation 1716617 (VCV001716617.6), dbSNP rs2518623918, ClinGen allele CA410779044.

ClinVar aggregate classification (germline): Uncertain significance. Review status: criteria provided, multiple submitters, no conflicts (2 of 4 stars). 2 submissions from 2 submitters: Uncertain significance (2). Last evaluated 2023-06-08.

Conditions:
Hereditary cancer-predisposing syndrome. Also called: Hereditary neoplastic syndrome; Neoplastic Syndromes, Hereditary; Hereditary Cancer Syndrome; Tumor predisposition. Identifiers: Orphanet 140162, MedGen C0027672, MeSH D009386, MONDO:0015356.
Cardiovascular phenotype. Identifiers: MedGen CN230736.

gnomAD v4.1: 4 of 1,613,490 alleles (0.00025%); highest among the groups gnomAD compares: African/African-American, 0.0027%; no homozygotes.

Submissions (2):

Ambry Genetics
Classification: Uncertain significance for Cardiovascular phenotype; Hereditary cancer-predisposing syndrome. Last evaluated: 2023-06-08. Review status: criteria provided, single submitter. Criteria: Ambry Variant Classification Scheme 2023. Collection method: clinical testing. Allele origin: germline.
Comment: The p.D668G variant (also known as c.2003A>G), located in coding exon 17 of the LZTR1 gene, results from an A to G substitution at nucleotide position 2003. The aspartic acid at codon 668 is replaced by glycine, an amino acid with similar properties. This amino acid position is conserved. In addition, this alteration is predicted to be deleterious by in silico analysis. Since supporting evidence is limited at this time, the clinical significance of this alteration remains unclear.

Labcorp Genetics (formerly Invitae), Labcorp
Classification: Uncertain significance. Last evaluated: 2022-08-17. Review status: criteria provided, single submitter. Criteria: Invitae Variant Classification Sherloc (09022015). Collection method: clinical testing. Allele origin: germline.
Comment: In summary, the available evidence is currently insufficient to determine the role of this variant in disease. Therefore, it has been classified as a Variant of Uncertain Significance. Algorithms developed to predict the effect of missense changes on protein structure and function (SIFT, PolyPhen-2, Align-GVGD) all suggest that this variant is likely to be disruptive. This variant has not been reported in the literature in individuals affected with LZTR1-related conditions. This variant is not present in population databases (gnomAD no frequency). This sequence change replaces aspartic acid, which is acidic and polar, with glycine, which is neutral and non-polar, at codon 668 of the LZTR1 protein (p.Asp668Gly).